The following is an entry in ClinVar:

ClinVar aggregate classification (germline): Uncertain significance (1 of 4 stars; one submission).

Submission:

GeneDx
Classification: Uncertain significance. Last evaluated: 2023-01-19. Review status: criteria provided, single submitter. Criteria: GeneDx Variant Classification Process June 2021. Collection method: clinical testing. Allele origin: germline. Affected: yes.
Comment: Not observed at significant frequency in large population cohorts (gnomAD); In silico analysis supports that this missense variant does not alter protein structure/function; Has not been previously published as pathogenic or benign to our knowledge

NM_002397.5(MEF2C):c.1226C>A (p.Pro409Gln)

Genes: MEF2C (myocyte enhancer factor 2C; minus strand), MEF2C-AS2 (MEF2C antisense RNA 2; plus strand). Cytogenetic location: 5q14.3.
Variant type: single nucleotide variant.
Coding change: c.1226C>A on transcript NM_002397.5 (MANE Select); coding-DNA position 1226, C replaced by A.
Protein change: p.Pro409Gln; replaces proline 409 with glutamine.
Molecular consequence: missense variant. On other transcripts: non-coding transcript variant (1), synonymous variant (9).
Genome position (GRCh38, 1-based): chr5:88,722,800, G>T on the plus strand (C>A on the coding strand, the complement: MEF2C is on the minus strand). VCF-style: chr5-88722800-G-T. GRCh37 (hg19) VCF-style: chr5-88018617-G-T.
Other names: c.1196C>A, p.Pro399Gln (NM_001131005.2); c.1256C>A, p.Pro419Gln (NM_001193347.1); c.1058C>A, p.Pro353Gln (NM_001193348.1); c.986C>A, p.Pro329Gln (NM_001193349.3, NM_001364332.2); c.1226C>A, p.Pro409Gln (NM_001193350.2, NM_001364329.2, NM_001364330.2 and 1 more transcripts); c.1202C>A, p.Pro401Gln (NM_001308002.3, NM_001364333.2); c.1130C>A, p.Pro377Gln (NM_001363581.2, NM_001364334.2, NM_001364335.2 and 2 more transcripts); c.1160C>A, p.Pro387Gln (NM_001364338.2); and 10 more; short protein forms P251Q, P367Q, P401Q, P419Q, P227Q, P361Q, P387Q, P283Q.
Identifiers: ClinVar variation 2135992 (VCV002135992.1), dbSNP rs2546727976, ClinGen allele CA360422151.